The following is an entry in ClinVar:

NM_182914.3(SYNE2):c.20711C>T (p.Pro6904Leu)

Gene: SYNE2 (spectrin repeat containing nuclear envelope protein 2; plus strand). Cytogenetic location: 14q23.2.
Variant type: single nucleotide variant.
Coding change: c.20711C>T on transcript NM_182914.3 (MANE Select); coding-DNA position 20711, C replaced by T.
Protein change: p.Pro6904Leu; replaces proline 6904 with leucine.
Molecular consequence: missense variant.
Genome position (GRCh38, 1-based): chr14:64,225,513, C>T. VCF-style: chr14-64225513-C-T. GRCh37 (hg19) VCF-style: chr14-64692231-C-T.
Other names: c.20645C>T, p.Pro6882Leu (NM_015180.6); c.1277C>T, p.Pro426Leu (NM_182910.2); c.1658C>T, p.Pro553Leu (NM_182913.4); short protein forms P553L, P6904L, P6882L, P426L.
Identifiers: ClinVar variation 2205349 (VCV002205349.9), dbSNP rs377394999, ClinGen allele CA7225001.

ClinVar aggregate classification (germline): Uncertain significance. Review status: criteria provided, multiple submitters, no conflicts (2 of 4 stars). 3 submissions from 3 submitters: Uncertain significance (3). Last evaluated 2024-12-25.

Conditions:
Emery-Dreifuss muscular dystrophy 5, autosomal dominant (EDMD5). Also called: EMERY-DREIFUSS MUSCULAR DYSTROPHY 5. Identifiers: Orphanet 261, MedGen C2751805, MONDO:0013072, OMIM 612999.

Allele frequency attached by ClinVar (database versions not stated): gnomAD 0.00003; TOPMed 0.00003; gnomAD exomes 0.00004; ExAC 0.00007; ESP Exome Variant Server 0.00008.
gnomAD v4.1: 63 of 1,613,976 alleles (0.0039%); highest among the groups gnomAD compares: Non-Finnish European, 0.005%; no homozygotes.

Submissions (3):

Ambry Genetics
Classification: Uncertain significance. Last evaluated: 2024-12-25. Review status: criteria provided, single submitter. Criteria: Ambry Variant Classification Scheme 2023. Collection method: clinical testing. Allele origin: germline.

Labcorp Genetics (formerly Invitae), Labcorp
Classification: Uncertain significance for Emery-Dreifuss muscular dystrophy 5, autosomal dominant. Last evaluated: 2023-08-14. Review status: criteria provided, single submitter. Criteria: Invitae Variant Classification Sherloc (09022015). Collection method: clinical testing. Allele origin: germline.
Comment: This sequence change replaces proline, which is neutral and non-polar, with leucine, which is neutral and non-polar, at codon 6904 of the SYNE2 protein (p.Pro6904Leu). The frequency data for this variant in the population databases is considered unreliable, as metrics indicate poor data quality at this position in the gnomAD database. This variant has not been reported in the literature in individuals affected with SYNE2-related conditions. ClinVar contains an entry for this variant (Variation ID: 2205349). An algorithm developed to predict the effect of missense changes on protein structure and function (PolyPhen-2) suggests that this variant is likely to be disruptive. In summary, the available evidence is currently insufficient to determine the role of this variant in disease. Therefore, it has been classified as a Variant of Uncertain Significance.

Revvity Omics, Revvity
Classification: Uncertain significance for Emery-Dreifuss muscular dystrophy 5, autosomal dominant. Last evaluated: 2019-10-09. Review status: criteria provided, single submitter. Criteria: ACMG Guidelines, 2015. Collection method: clinical testing. Allele origin: germline.